The following is an entry in ClinVar:

ClinVar aggregate classification (germline): Uncertain significance (1 of 4 stars; one submission).

Allele frequency attached by ClinVar (database versions not stated): gnomAD exomes below 0.00001.
gnomAD v4.1: 3 of 1,614,142 alleles (0.00019%); highest among the groups gnomAD compares: Non-Finnish European, 0.00025%; no homozygotes.

Submission:

GeneDx
Classification: Uncertain significance. Last evaluated: 2022-09-28. Review status: criteria provided, single submitter. Criteria: GeneDx Variant Classification Process June 2021. Collection method: clinical testing. Allele origin: germline. Affected: yes.
Comment: Not observed at significant frequency in large population cohorts (gnomAD); In silico analysis supports that this missense variant does not alter protein structure/function; Has not been previously published as pathogenic or benign to our knowledge

NM_001923.5(DDB1):c.3170G>A (p.Arg1057Gln)

Gene: DDB1 (damage specific DNA binding protein 1; minus strand). Cytogenetic location: 11q12.2.
Variant type: single nucleotide variant.
Coding change: c.3170G>A on transcript NM_001923.5 (MANE Select); coding-DNA position 3170, G replaced by A.
Protein change: p.Arg1057Gln; replaces arginine 1057 with glutamine.
Molecular consequence: missense variant.
Genome position (GRCh38, 1-based): chr11:61,302,302, C>T on the plus strand (G>A on the coding strand, the complement: DDB1 is on the minus strand). VCF-style: chr11-61302302-C-T. GRCh37 (hg19) VCF-style: chr11-61069774-C-T.
Other names: short protein forms R1057Q.
Identifiers: ClinVar variation 2446627 (VCV002446627.1), dbSNP rs2539658571, ClinGen allele CA380656931.
Genomic context (GRCh38, chr11:61,302,302, plus strand): 5'-CTCTGGGAAGGATATAAGGAGTGCTCGATCTTCCCCACACTTTTGATGACTTTATTGAGT[C>T]GATTCTGCATGTCCAGCAGGAGGTTGTACCAGCTCTCTGACAGTGAGGTCACCAGCCCTG-3'
Protein context (NP_001914.3, residues 1047-1067): WYNLLLDMQN[Arg1057Gln]LNKVIKSVGK